The following is an entry in ClinVar:

ClinVar aggregate classification (germline): Likely pathogenic (1 of 4 stars; one submission).

Conditions:
Adenylosuccinate lyase deficiency (ADSLD). Also called: ADSL DEFICIENCY. Identifiers: Orphanet 46, MedGen C0268126, MONDO:0007068, OMIM 103050.

gnomAD v4.1: 2 of 1,611,914 alleles (0.00012%); highest among the groups gnomAD compares: East Asian, 0.0045%; no homozygotes.

Submission:

Department of Neurology, Zibo Changguo Hospital
Classification: Likely pathogenic for Adenylosuccinate lyase deficiency. Last evaluated: 2025-01-10. Review status: criteria provided, single submitter. Criteria: ACMG Guidelines, 2015. Collection method: clinical testing. Allele origin: maternal. Inheritance: Autosomal recessive inheritance. Affected: yes. Observed: 1 compound heterozygote.
Comment: PM1, PM3, PP3_Moderate, PM2_Supporting

NM_000026.4(ADSL):c.73G>A (p.Glu25Lys)

Gene: ADSL (adenylosuccinate lyase; plus strand). Cytogenetic location: 22q13.1.
Variant type: single nucleotide variant.
Coding change: c.73G>A on transcript NM_000026.4 (MANE Select); coding-DNA position 73, G replaced by A.
Protein change: p.Glu25Lys; replaces glutamic acid 25 with lysine.
Molecular consequence: missense variant. On other transcripts: 5 prime UTR variant (1), non-coding transcript variant (1).
Genome position (GRCh38, 1-based): chr22:40,346,631, G>A. VCF-style: chr22-40346631-G-A. GRCh37 (hg19) VCF-style: chr22-40742635-G-A.
Other names: c.73G>A, p.Glu25Lys (NM_001123378.3, NM_001363840.3, NM_001410812.1 and 2 more transcripts); c.-65G>A (NM_001317923.2); short protein forms E25K.
Identifiers: ClinVar variation 3770217 (VCV003770217.1).